The following is an entry in ClinVar:

ClinVar aggregate classification (germline): Uncertain significance (1 of 4 stars; one submission).

Conditions:
Carney complex, type 1 (CNC1). Also called: CARNEY COMPLEX, TYPE I; CARNEY MYXOMA-ENDOCRINE COMPLEX. Identifiers: Orphanet 1359, MedGen C2607929, MONDO:0008057, OMIM 160980.

Submission:

Labcorp Genetics (formerly Invitae), Labcorp
Classification: Uncertain significance for Carney complex, type 1. Last evaluated: 2023-08-17. Review status: criteria provided, single submitter. Criteria: Invitae Variant Classification Sherloc (09022015). Collection method: clinical testing. Allele origin: germline.
Comment: In summary, the available evidence is currently insufficient to determine the role of this variant in disease. Therefore, it has been classified as a Variant of Uncertain Significance. An algorithm developed to predict the effect of missense changes on protein structure and function (PolyPhen-2) suggests that this variant is likely to be tolerated. This variant has not been reported in the literature in individuals affected with PRKAR1A-related conditions. This variant is not present in population databases (gnomAD no frequency). This sequence change replaces leucine, which is neutral and non-polar, with proline, which is neutral and non-polar, at codon 20 of the PRKAR1A protein (p.Leu20Pro).

NM_002734.5(PRKAR1A):c.59T>C (p.Leu20Pro)

Gene: PRKAR1A (protein kinase cAMP-dependent type I regulatory subunit alpha; plus strand). Cytogenetic location: 17q24.2.
Variant type: single nucleotide variant.
Coding change: c.59T>C on transcript NM_002734.5 (MANE Select); coding-DNA position 59, T replaced by C.
Protein change: p.Leu20Pro; replaces leucine 20 with proline.
Molecular consequence: missense variant.
Genome position (GRCh38, 1-based): chr17:68,515,458, T>C. VCF-style: chr17-68515458-T-C. GRCh37 (hg19) VCF-style: chr17-66511599-T-C.
Other names: c.59T>C, p.Leu20Pro (NM_001276289.2, NM_001276290.1, NM_001278433.2 and 4 more transcripts); short protein forms L20P.
Identifiers: ClinVar variation 3020944 (VCV003020944.3), dbSNP rs1600461989, ClinGen allele CA400751881.